The following is an entry in ClinVar:

NM_001040108.2(MLH3):c.2430G>T (p.Glu810Asp)

Gene: MLH3 (mutL homolog 3; minus strand). Cytogenetic location: 14q24.3.
Variant type: single nucleotide variant.
Coding change: c.2430G>T on transcript NM_001040108.2 (MANE Select); coding-DNA position 2430, G replaced by T.
Protein change: p.Glu810Asp; replaces glutamic acid 810 with aspartic acid.
Molecular consequence: missense variant.
Genome position (GRCh38, 1-based): chr14:75,047,226, C>A on the plus strand (G>T on the coding strand, the complement: MLH3 is on the minus strand). VCF-style: chr14-75047226-C-A. GRCh37 (hg19) VCF-style: chr14-75513929-C-A.
Other names: c.2430G>T, p.Glu810Asp (NM_014381.3); short protein forms E810D.
Identifiers: ClinVar variation 3724592 (VCV003724592.2).

ClinVar aggregate classification (germline): Uncertain significance (1 of 4 stars; one submission).

Conditions:
Colorectal cancer, hereditary nonpolyposis, type 7. Identifiers: Orphanet 144, MedGen C1858380, MONDO:0013725, OMIM 614385.

Submission:

Labcorp Genetics (formerly Invitae), Labcorp
Classification: Uncertain significance for Colorectal cancer, hereditary nonpolyposis, type 7. Last evaluated: 2024-11-04. Review status: criteria provided, single submitter. Criteria: Invitae Variant Classification Sherloc (09022015). Collection method: clinical testing. Allele origin: germline.
Comment: This sequence change replaces glutamic acid, which is acidic and polar, with aspartic acid, which is acidic and polar, at codon 810 of the MLH3 protein (p.Glu810Asp). This variant is not present in population databases (gnomAD no frequency). This variant has not been reported in the literature in individuals affected with MLH3-related conditions. An algorithm developed to predict the effect of missense changes on protein structure and function (PolyPhen-2) suggests that this variant is likely to be tolerated. In summary, the available evidence is currently insufficient to determine the role of this variant in disease. Therefore, it has been classified as a Variant of Uncertain Significance.